The following is an entry in ClinVar:

ClinVar aggregate classification (germline): Likely benign. Review status: criteria provided, single submitter (1 of 4 stars). 2 submissions from 2 submitters: Likely benign (1). 1 of the submissions does not count toward it. Last evaluated 2022-02-27.

Conditions:
PALLD-related disorder. Also called: PALLD-related condition.

gnomAD v4.1: 14 of 1,614,120 alleles (0.00087%); highest among the groups gnomAD compares: South Asian, 0.0022%; no homozygotes.

Submissions (2):

Ambry Genetics
Classification: Likely benign. Last evaluated: 2022-02-27. Review status: criteria provided, single submitter. Criteria: Ambry Variant Classification Scheme 2023. Collection method: clinical testing. Allele origin: germline.

PreventionGenetics, part of Exact Sciences
Classification: Likely benign for PALLD-related condition. Last evaluated: 2022-11-23. Review status: no assertion criteria provided. Collection method: clinical testing. Allele origin: germline. Not counted in ClinVar's aggregate classification.
Comment: This variant is classified as likely benign based on ACMG/AMP sequence variant interpretation guidelines (Richards et al. 2015 PMID: 25741868, with internal and published modifications).

NM_001166108.2(PALLD):c.159C>T (p.Ser53=)

Gene: PALLD (palladin, cytoskeletal associated protein; plus strand). Cytogenetic location: 4q32.3.
Variant type: single nucleotide variant.
Coding change: c.159C>T on transcript NM_001166108.2 (MANE Select); coding-DNA position 159, C replaced by T.
Protein change: p.Ser53=; no amino-acid change (serine 53 retained).
Molecular consequence: synonymous variant.
Genome position (GRCh38, 1-based): chr4:168,511,663, C>T. VCF-style: chr4-168511663-C-T. GRCh37 (hg19) VCF-style: chr4-169432814-C-T.
Other names: c.159C>T, p.Ser53= (NM_016081.4).
Identifiers: ClinVar variation 1776087 (VCV001776087.4), dbSNP rs115481700, ClinGen allele CA109882622.